The following is an entry in ClinVar:

ClinVar aggregate classification (germline): Uncertain significance (1 of 4 stars; one submission).

Submission:

Labcorp Genetics (formerly Invitae), Labcorp
Classification: Uncertain significance. Last evaluated: 2021-11-22. Review status: criteria provided, single submitter. Criteria: Invitae Variant Classification Sherloc (09022015). Collection method: clinical testing. Allele origin: germline.
Comment: This sequence change replaces phenylalanine, which is neutral and non-polar, with cysteine, which is neutral and slightly polar, at codon 198 of the C1QA protein (p.Phe198Cys). In summary, the available evidence is currently insufficient to determine the role of this variant in disease. Therefore, it has been classified as a Variant of Uncertain Significance. Algorithms developed to predict the effect of missense changes on protein structure and function are either unavailable or do not agree on the potential impact of this missense change (SIFT: "Tolerated"; PolyPhen-2: "Probably Damaging"; Align-GVGD: "Class C0"). This variant has not been reported in the literature in individuals affected with C1QA-related conditions. This variant is not present in population databases (gnomAD no frequency).

NM_015991.4(C1QA):c.593T>G (p.Phe198Cys)

Gene: C1QA (complement C1q A chain; plus strand). Cytogenetic location: 1p36.12.
Variant type: single nucleotide variant.
Coding change: c.593T>G on transcript NM_015991.4 (MANE Select); coding-DNA position 593, T replaced by G.
Protein change: p.Phe198Cys; replaces phenylalanine 198 with cysteine.
Molecular consequence: missense variant.
Genome position (GRCh38, 1-based): chr1:22,639,262, T>G. VCF-style: chr1-22639262-T-G. GRCh37 (hg19) VCF-style: chr1-22965755-T-G.
Other names: c.593T>G, p.Phe198Cys (NM_001347465.2, NM_001347466.2); short protein forms F198C.
Identifiers: ClinVar variation 1461552 (VCV001461552.6), dbSNP rs2148291350, ClinGen allele CA338930675.